The following is an entry in ClinVar:

ClinVar aggregate classification (germline): Pathogenic/Likely pathogenic. Review status: criteria provided, multiple submitters, no conflicts (2 of 4 stars). 3 submissions from 3 submitters: Pathogenic (1); Likely pathogenic (1). 1 of the submissions does not count toward it. Last evaluated 2023-11-30.

Conditions:
Deficiency of iodide peroxidase (TDH2A). Also called: HYPOTHYROIDISM, CONGENITAL, DUE TO DYSHORMONOGENESIS, 2A; IODIDE PEROXIDASE DEFICIENCY; Thyroid dyshormonogenesis 2A; THYROID HORMONOGENESIS, GENETIC DEFECT IN, 2A; THYROID PEROXIDASE DEFICIENCY. Identifiers: Orphanet 95716, MedGen C1291299, MONDO:0010133, OMIM 274500.

Allele frequency attached by ClinVar (database versions not stated): gnomAD 0.00001; gnomAD exomes 0.00001; TOPMed 0.00001; ExAC 0.00002.
gnomAD v4.1: 18 of 1,614,056 alleles (0.0011%); highest among the groups gnomAD compares: Admixed American, 0.0017%; no homozygotes.

Submissions (3):

Revvity Omics, Revvity
Classification: Likely pathogenic. Last evaluated: 2023-11-30. Review status: criteria provided, single submitter. Criteria: ACMG Guidelines, 2015. Collection method: clinical testing. Allele origin: germline.

Labcorp Genetics (formerly Invitae), Labcorp
Classification: Pathogenic. Last evaluated: 2022-12-31. Review status: criteria provided, single submitter. Criteria: Invitae Variant Classification Sherloc (09022015). Collection method: clinical testing. Allele origin: germline.
Comment: Algorithms developed to predict the effect of missense changes on protein structure and function (SIFT, PolyPhen-2, Align-GVGD) all suggest that this variant is likely to be disruptive. For these reasons, this variant has been classified as Pathogenic. This sequence change replaces arginine, which is basic and polar, with glutamine, which is neutral and polar, at codon 648 of the TPO protein (p.Arg648Gln). This variant is present in population databases (rs121908086, gnomAD 0.007%). This missense change has been observed in individual(s) with clinical features of TPO-related conditions (PMID: 10084596, 27173810, 33029631). In at least one individual the data is consistent with being in trans (on the opposite chromosome) from a pathogenic variant. It has also been observed to segregate with disease in related individuals. ClinVar contains an entry for this variant (Variation ID: 4048).

OMIM
Classification: Pathogenic for THYROID DYSHORMONOGENESIS 2A. Last evaluated: 1999-03-01. Review status: no assertion criteria provided. Collection method: literature only. Allele origin: germline. Not counted in ClinVar's aggregate classification.

Literature cited by the submitters: PubMed 10084596 (cited by Labcorp Genetics (formerly Invitae), Labcorp and OMIM); PubMed 27173810 (cited by Labcorp Genetics (formerly Invitae), Labcorp); PubMed 33029631 (cited by Labcorp Genetics (formerly Invitae), Labcorp).

NM_001206744.2(TPO):c.1943G>A (p.Arg648Gln)

Genes: LALTOP (lung cancer associated lncRNA targeting TOP2A; minus strand), TPO (thyroid peroxidase; plus strand). Cytogenetic location: 2p25.3.
Variant type: single nucleotide variant.
Coding change: c.1943G>A on transcript NM_001206744.2 (MANE Select); coding-DNA position 1943, G replaced by A.
Protein change: p.Arg648Gln; replaces arginine 648 with glutamine.
Molecular consequence: missense variant.
Genome position (GRCh38, 1-based): chr2:1,493,976, G>A. VCF-style: chr2-1493976-G-A. GRCh37 (hg19) VCF-style: chr2-1497748-G-A.
Other names: c.1943G>A, p.Arg648Gln (NM_000547.6, NM_175721.3); c.1772G>A, p.Arg591Gln (NM_001206745.2, NM_175719.4); c.1424G>A, p.Arg475Gln (NM_175722.3); c.1943G>A (NM_000547.5); short protein forms R648Q, R475Q, R591Q.
Identifiers: ClinVar variation 4048 (VCV000004048.5), dbSNP rs121908086, ClinGen allele CA116633.